The following is an entry in ClinVar:

NM_003024.3(ITSN1):c.1271_1272del (p.Glu424fs)

Gene: ITSN1 (intersectin 1; plus strand). Cytogenetic location: 21q22.11.
Variant type: Microsatellite.
Coding change: c.1271_1272del on transcript NM_003024.3 (MANE Select); coding-DNA positions 1271 to 1272, 2 bases deleted (AG; older notation c.1271_1272delAG).
Protein change: p.Glu424fs; shifts the reading frame from glutamic acid 424.
Molecular consequence: frameshift variant.
Genome position (GRCh38, 1-based): chr21:33,772,289-33,772,290, AG deleted; deleting any 2 consecutive bases within chr21:33,772,283-33,772,290 gives the same sequence; the c. name uses the placement nearest the transcript's 3' end. VCF-style (leftmost placement, unchanged base first): chr21-33772282-CAG-C. GRCh37 (hg19) VCF-style: chr21-35144586-CAG-C.
Other names: c.1271_1272del, p.Glu424fs (NM_001001132.2, NM_001331008.2, NM_001331009.2 and 2 more transcripts); c.1160_1161del, p.Glu387fs (NM_001331012.2); short protein forms E387fs, E424fs.
Identifiers: ClinVar variation 3861990 (VCV003861990.1).

ClinVar aggregate classification (germline): Pathogenic (1 of 4 stars; one submission).

Conditions:
Inborn genetic diseases. Identifiers: MedGen C0950123, MeSH D030342.

Submission:

Ambry Genetics
Classification: Pathogenic for Inborn genetic diseases. Last evaluated: 2025-02-19. Review status: criteria provided, single submitter. Criteria: Ambry Variant Classification Scheme 2023. Collection method: clinical testing. Allele origin: germline.
Comment: The c.1271_1272delAG (p.E424Gfs*8) alteration, located in exon 12 (coding exon 11) of the ITSN1 gene, consists of a deletion of 2 nucleotides from position 1271 to 1272, causing a translational frameshift with a predicted alternate stop codon after 8 amino acids. This alteration is expected to result in loss of function by premature protein truncation or nonsense-mediated mRNA decay. This variant was not reported in population-based cohorts in the Genome Aggregation Database (gnomAD). Based on the available evidence, this alteration is classified as pathogenic.